The following is an entry in ClinVar:

ClinVar aggregate classification (germline): Uncertain significance (1 of 4 stars; one submission).

Conditions:
Neurodevelopmental disorder with dysmorphic facies, brain anomalies, and seizures. Identifiers: MedGen C6012725, MONDO:0978301, OMIM 621201.

gnomAD v4.1: 1 of 1,612,970 alleles (0.000062%); highest among the groups gnomAD compares: Non-Finnish European, 0.000085%; no homozygotes.

Submission:

Department of Genetics, Fundacion Jimenez Diaz University Hospital
Classification: Uncertain significance for Neurodevelopmental disorder with dysmorphic facies, brain anomalies, and seizures. Last evaluated: 2026-03-27. Review status: criteria provided, single submitter. Criteria: ACMG Guidelines, 2015. Collection method: clinical testing. Allele origin: germline. Inheritance: Autosomal recessive inheritance. Affected: yes.
Comment: This missense variant is present in population databases (gnomAD) at a very low frequency (<0.01%), consistent with a rare disorder (PM2_supporting). Based on the available evidence, this variant is classified as VUS.

Literature cited by the submitters: PubMed 41826713.

NM_012086.5(GTF3C3):c.2498A>G (p.Tyr833Cys)

Gene: GTF3C3 (general transcription factor IIIC subunit 3; minus strand). Cytogenetic location: 2q33.1.
Variant type: single nucleotide variant.
Coding change: c.2498A>G on transcript NM_012086.5 (MANE Select); coding-DNA position 2498, A replaced by G.
Protein change: p.Tyr833Cys; replaces tyrosine 833 with cysteine.
Molecular consequence: missense variant.
Genome position (GRCh38, 1-based): chr2:196,766,605, T>C on the plus strand (A>G on the coding strand, the complement: GTF3C3 is on the minus strand). VCF-style: chr2-196766605-T-C. GRCh37 (hg19) VCF-style: chr2-197631329-T-C.
Other names: short protein forms Y833C.
Identifiers: ClinVar variation 4819552 (VCV004819552.1).